The following is an entry in ClinVar:

NM_014588.6(VSX1):c.546A>G (p.Ala182=)

Gene: VSX1 (visual system homeobox 1; minus strand). Cytogenetic location: 20p11.21.
Variant type: single nucleotide variant.
Coding change: c.546A>G on transcript NM_014588.6 (MANE Select); coding-DNA position 546, A replaced by G.
Protein change: p.Ala182=; no amino-acid change (alanine 182 retained).
Molecular consequence: synonymous variant. On other transcripts: non-coding transcript variant (3).
Genome position (GRCh38, 1-based): chr20:25,078,910, T>C on the plus strand (A>G on the coding strand, the complement: VSX1 is on the minus strand). VCF-style: chr20-25078910-T-C. GRCh37 (hg19) VCF-style: chr20-25059546-T-C.
Other names: H2741R,his2741-to-arg; c.546A>G, p.Ala182= (NM_001256271.2, NM_001256272.2, NM_199425.3).
Identifiers: ClinVar variation 100940 (VCV000100940.14), dbSNP rs12480307, ClinGen allele CA9793589.
Genomic context (GRCh38, chr20:25,078,910, plus strand): 5'-CTCAGTTTTCACAGCCAGCATTTCTCGGGCATACACATCAGGGTAGTGGGCCTCGCTGAA[T>C]GCCTTCTCCAACTCTTCCAGCTGGTGAGCAGTGAAAACTGTCCTGCAAGGACCCCAAAAC-3'
Protein context (NP_055403.2, residues 172-192): TAHQLEELEK[Ala182=]FSEAHYPDVY

ClinVar aggregate classification (germline): Benign. Review status: criteria provided, multiple submitters, no conflicts (2 of 4 stars). 4 submissions from 4 submitters: Benign (4). Last evaluated 2026-02-02.

Conditions:
Posterior polymorphous corneal dystrophy. Also called: CORNEAL DYSTROPHY, HEREDITARY POLYMORPHOUS POSTERIOR; Polymorphous corneal dystrophy. Identifiers: Orphanet 98973, MedGen C0339284, MONDO:0020364, HP:0007915.

Allele frequency attached by ClinVar (database versions not stated): 1000 Genomes Project 0.29034; gnomAD 0.29623 and 0.29211; 1000 Genomes Project 30x 0.29731; gnomAD exomes 0.23715 and 0.25878; ESP Exome Variant Server 0.29948; TOPMed 0.30762; ExAC 0.25435.
gnomAD v4.1: 391,288 of 1,613,882 alleles (24%); highest among the groups gnomAD compares: African/African-American, 44%; 51,842 homozygotes.

Submissions (4):

Labcorp Genetics (formerly Invitae), Labcorp
Classification: Benign. Last evaluated: 2026-02-02. Review status: criteria provided, single submitter. Criteria: Invitae Variant Classification Sherloc (09022015). Collection method: clinical testing. Allele origin: germline.

Illumina Laboratory Services, Illumina
Classification: Benign for Polymorphous corneal dystrophy. Last evaluated: 2018-01-12. Review status: criteria provided, single submitter. Criteria: ICSL Variant Classification Criteria 13 December 2019. Collection method: clinical testing. Allele origin: germline.
Comment: This variant was observed in the ICSL laboratory as part of a predisposition screen in an ostensibly healthy population. It had not been previously curated by ICSL or reported in the Human Gene Mutation Database (HGMD: prior to June 1st, 2018), and was therefore a candidate for classification through an automated scoring system. Utilizing variant allele frequency, disease prevalence and penetrance estimates, and inheritance mode, an automated score was calculated to assess if this variant is too frequent to cause the disease. Based on the score and internal cut-off values, a variant classified as benign is not then subjected to further curation. The score for this variant resulted in a classification of benign for this disease.

Breakthrough Genomics
Classification: Benign. Review status: criteria provided, single submitter. Criteria: ACMG Guidelines, 2015. Collection method: not provided. Allele origin: germline. Inheritance: Autosomal dominant inheritance. Affected: yes.

PreventionGenetics, part of Exact Sciences
Classification: Benign. Review status: criteria provided, single submitter. Criteria: ACMG Guidelines, 2015. Collection method: clinical testing. Allele origin: germline.